The following is an entry in ClinVar:

NM_000021.4(PSEN1):c.839A>C (p.Glu280Ala)

Gene: PSEN1 (presenilin 1; plus strand). Cytogenetic location: 14q24.2.
Variant type: single nucleotide variant.
Coding change: c.839A>C on transcript NM_000021.4 (MANE Select); coding-DNA position 839, A replaced by C.
Protein change: p.Glu280Ala; replaces glutamic acid 280 with alanine.
Molecular consequence: missense variant.
Genome position (GRCh38, 1-based): chr14:73,198,100, A>C. VCF-style: chr14-73198100-A-C. GRCh37 (hg19) VCF-style: chr14-73664808-A-C.
Other names: c.827A>C, p.Glu276Ala (NM_007318.3); short protein forms E280A, E276A.
Identifiers: ClinVar variation 18131 (VCV000018131.15), dbSNP rs63750231, ClinGen allele CA341491.
Genomic context (GRCh38, chr14:73,198,100, plus strand): 5'-CTGTTTTGTGTCCGAAAGGTCCACTTCGTATGCTGGTTGAAACAGCTCAGGAGAGAAATG[A>C]AACGCTTTTTCCAGCTCTCATTTACTCCTGTAAGTATTTGAGAAGGATATTGAATTAGTA-3'
Protein context (NP_000012.1, residues 270-290): MLVETAQERN[Glu280Ala]TLFPALIYSS

ClinVar aggregate classification (germline): Pathogenic. Review status: criteria provided, single submitter (1 of 4 stars). 3 submissions from 3 submitters: Pathogenic (1). 2 of the submissions do not count toward it. Last evaluated 2025-09-16.

Conditions:
Frontotemporal dementia (FTD1). Also called: WILHELMSEN-LYNCH DISEASE; Frontotemporal lobe dementia (FLDEM); Dementia, frontotemporal, with or without parkinsonism; Frontotemporal Dementia with Parkinsonism-17 (FTDP-17); FRONTOTEMPORAL DEMENTIA WITH PARKINSONISM; FRONTOTEMPORAL LOBE DEMENTIA. Identifiers: Orphanet 282, MedGen C0338451, MONDO:0017276, OMIM 600274, HP:0002145.
Alzheimer disease 3 (AD3). Also called: ALZHEIMER DISEASE, FAMILIAL, 3. Identifiers: Orphanet 1020, MedGen C1843013, MONDO:0011913, OMIM 607822.
Acne inversa, familial, 3 (ACNINV3). Identifiers: MedGen C3151038, MONDO:0013398, OMIM 613737.
Pick disease. Also called: Pick Disease of the Brain; Pick's disease; LOBAR ATROPHY OF BRAIN; PICK DISEASE OF BRAIN; DEMENTIA WITH LOBAR ATROPHY AND NEURONAL CYTOPLASMIC INCLUSIONS. Identifiers: Orphanet 282, MedGen C0236642, MONDO:0008243, OMIM 172700.

Submissions (3):

Labcorp Genetics (formerly Invitae), Labcorp
Classification: Pathogenic for Alzheimer disease 3; Pick disease; Acne inversa, familial, 3; Frontotemporal dementia. Last evaluated: 2025-09-16. Review status: criteria provided, single submitter. Criteria: Invitae Variant Classification Sherloc (09022015). Collection method: clinical testing. Allele origin: germline.
Comment: This sequence change replaces glutamic acid, which is acidic and polar, with alanine, which is neutral and non-polar, at codon 280 of the PSEN1 protein (p.Glu280Ala). This variant is not present in population databases (gnomAD no frequency). This missense change has been observed in individual(s) with early-onset Alzheimer disease (PMID: 7550356, 22766738, 25471389). It has also been observed to segregate with disease in related individuals. Invitae Evidence Modeling of clinical and family history, age, sex, and reported ancestry of multiple individuals with this PSEN1 variant has been performed. This variant is expected to be pathogenic with a positive predictive value of at least 99%. This is a validated machine learning model that incorporates the clinical features of 21,034 individuals referred to our laboratory for PSEN1 testing. ClinVar contains an entry for this variant (Variation ID: 18131). Invitae Evidence Modeling of protein sequence and biophysical properties (such as structural, functional, and spatial information, amino acid conservation, physicochemical variation, residue mobility, and thermodynamic stability) indicates that this missense variant is expected to disrupt PSEN1 protein function with a positive predictive value of 95%. Experimental studies have shown that this missense change affects PSEN1 function (PMID: 22461631, 24217025, 27930341). For these reasons, this variant has been classified as Pathogenic.

OMIM
Classification: Pathogenic for ALZHEIMER DISEASE, FAMILIAL, 3. Last evaluated: 2015-01-13. Review status: no assertion criteria provided. Collection method: literature only. Allele origin: germline. Not counted in ClinVar's aggregate classification.

GeneReviews
No classification provided. Condition: Alzheimer disease 3. Review status: no classification provided. Collection method: literature only. Allele origin: unknown. Not counted in ClinVar's aggregate classification.

Literature cited by the submitters: PubMed 7550356 (cited by 3 submitters); PubMed 22766738 (cited by Labcorp Genetics (formerly Invitae), Labcorp); PubMed 25471389 (cited by Labcorp Genetics (formerly Invitae), Labcorp and OMIM); PubMed 22461631 (cited by Labcorp Genetics (formerly Invitae), Labcorp); PubMed 24217025 (cited by Labcorp Genetics (formerly Invitae), Labcorp); PubMed 27930341 (cited by Labcorp Genetics (formerly Invitae), Labcorp); PubMed 8837617 (cited by OMIM and GeneReviews); PubMed 9052708 (cited by OMIM and GeneReviews); PubMed 11402113 (cited by OMIM and GeneReviews); PubMed 12891668 (cited by OMIM and GeneReviews); PubMed 31686034 (cited by OMIM); PubMed 38899694 (cited by OMIM); PubMed 20301414 (cited by GeneReviews); NCBI Bookshelf NBK1236 (cited by GeneReviews).